The following is an entry in ClinVar:

ClinVar aggregate classification (germline): Uncertain significance (1 of 4 stars; one submission).

Allele frequency attached by ClinVar (database versions not stated): gnomAD 0.00003.
gnomAD v4.1: 11 of 1,533,800 alleles (0.00072%); highest among the groups gnomAD compares: Admixed American, 0.002%; no homozygotes.

Submission:

Labcorp Genetics (formerly Invitae), Labcorp
Classification: Uncertain significance. Last evaluated: 2021-04-22. Review status: criteria provided, single submitter. Criteria: Invitae Variant Classification Sherloc (09022015). Collection method: clinical testing. Allele origin: germline.
Comment: In summary, the available evidence is currently insufficient to determine the role of this variant in disease. Therefore, it has been classified as a Variant of Uncertain Significance. Algorithms developed to predict the effect of missense changes on protein structure and function output the following: SIFT: "Deleterious"; PolyPhen-2: "Not Available"; Align-GVGD: "Class C0". The cysteine amino acid residue is found in multiple mammalian species, suggesting that this missense change does not adversely affect protein function. These predictions have not been confirmed by published functional studies and their clinical significance is uncertain. This variant has not been reported in the literature in individuals with PDZD7-related conditions. The frequency data for this variant in the population databases is considered unreliable, as metrics indicate insufficient coverage at this position in the ExAC database. This sequence change replaces arginine with cysteine at codon 795 of the PDZD7 protein (p.Arg795Cys). The arginine residue is weakly conserved and there is a large physicochemical difference between arginine and cysteine.

NM_001195263.2(PDZD7):c.2383C>T (p.Arg795Cys)

Gene: PDZD7 (PDZ domain containing 7; minus strand). Cytogenetic location: 10q24.31.
Variant type: single nucleotide variant.
Coding change: c.2383C>T on transcript NM_001195263.2 (MANE Select); coding-DNA position 2383, C replaced by T.
Protein change: p.Arg795Cys; replaces arginine 795 with cysteine.
Molecular consequence: missense variant.
Genome position (GRCh38, 1-based): chr10:101,010,506, G>A on the plus strand (C>T on the coding strand, the complement: PDZD7 is on the minus strand). VCF-style: chr10-101010506-G-A. GRCh37 (hg19) VCF-style: chr10-102770263-G-A.
Other names: short protein forms R795C.
Identifiers: ClinVar variation 1347461 (VCV001347461.8), dbSNP rs1399188523, ClinGen allele CA378224367.
Genomic context (GRCh38, chr10:101,010,506, plus strand): 5'-GCTTGTGGTAGCGCCCATTGGTCATGCTGGGGGCAGGGGTAGGCACCGGGGATGGGGAGC[G>A]TCTACCTGGAGACTTGCCTTGACCCCGGCTGCTGCGGCTGCGGCTGCGGCTACGGCTGCG-3'
Protein context (NP_001182192.1, residues 785-805): SRGQGKSPGR[Arg795Cys]SPSPVPTPAP